The following is an entry in ClinVar:

ClinVar aggregate classification (germline): Uncertain significance (1 of 4 stars; one submission).

Conditions:
Shprintzen-Goldberg syndrome (SGS). Also called: Marfanoid disorder with craniosynostosis type 1; Marfanoid craniosynostosis syndrome; Shprintzen-Goldberg marfanoid syndrome; SHPRINTZEN-GOLDBERG CRANIOSYNOSTOSIS SYNDROME; CRANIOSYNOSTOSIS WITH ARACHNODACTYLY AND ABDOMINAL HERNIAS. Identifiers: Orphanet 2462, MedGen C1321551, MONDO:0008426, OMIM 182212.

Submission:

Labcorp Genetics (formerly Invitae), Labcorp
Classification: Uncertain significance for Shprintzen-Goldberg syndrome. Last evaluated: 2023-11-07. Review status: criteria provided, single submitter. Criteria: Invitae Variant Classification Sherloc (09022015). Collection method: clinical testing. Allele origin: germline.
Comment: This sequence change replaces glycine, which is neutral and non-polar, with arginine, which is basic and polar, at codon 552 of the SKI protein (p.Gly552Arg). This variant is not present in population databases (gnomAD no frequency). This variant has not been reported in the literature in individuals affected with SKI-related conditions. Advanced modeling of protein sequence and biophysical properties (such as structural, functional, and spatial information, amino acid conservation, physicochemical variation, residue mobility, and thermodynamic stability) performed at Invitae indicates that this missense variant is expected to disrupt SKI protein function with a positive predictive value of 95%. In summary, the available evidence is currently insufficient to determine the role of this variant in disease. Therefore, it has been classified as a Variant of Uncertain Significance.

NM_003036.4(SKI):c.1654G>C (p.Gly552Arg)

Gene: SKI (SKI proto-oncogene; plus strand). Cytogenetic location: 1p36.32.
Variant type: single nucleotide variant.
Coding change: c.1654G>C on transcript NM_003036.4 (MANE Select); coding-DNA position 1654, G replaced by C.
Protein change: p.Gly552Arg; replaces glycine 552 with arginine.
Molecular consequence: missense variant.
Genome position (GRCh38, 1-based): chr1:2,304,472, G>C. VCF-style: chr1-2304472-G-C. GRCh37 (hg19) VCF-style: chr1-2235911-G-C.
Other names: short protein forms G552R.
Identifiers: ClinVar variation 2772107 (VCV002772107.3), dbSNP rs1010245755, ClinGen allele CA337957622.